The following is an entry in ClinVar:

NM_000629.3(IFNAR1):c.917G>A (p.Arg306His)

Gene: IFNAR1 (interferon alpha and beta receptor subunit 1; plus strand). Cytogenetic location: 21q22.11.
Variant type: single nucleotide variant.
Coding change: c.917G>A on transcript NM_000629.3 (MANE Select); coding-DNA position 917, G replaced by A.
Protein change: p.Arg306His; replaces arginine 306 with histidine.
Molecular consequence: missense variant.
Genome position (GRCh38, 1-based): chr21:33,349,219, G>A. VCF-style: chr21-33349219-G-A. GRCh37 (hg19) VCF-style: chr21-34721525-G-A.
Other names: c.917G>A (NM_000629.2); c.917G>A, p.Arg306His (NM_001384498.1, NM_001384499.1, NM_001384503.1); c.155G>A, p.Arg52His (NM_001384500.1); c.902G>A, p.Arg301His (NM_001384501.1); c.455G>A, p.Arg152His (NM_001384502.1); c.710G>A, p.Arg237His (NM_001384504.1); short protein forms R306H, R52H, R237H, R301H, R152H.
Identifiers: ClinVar variation 1430665 (VCV001430665.6), dbSNP rs774610936, ClinGen allele CA320147207.

ClinVar aggregate classification (germline): Uncertain significance. Review status: criteria provided, multiple submitters, no conflicts (2 of 4 stars). 2 submissions from 2 submitters: Uncertain significance (2). Last evaluated 2025-10-02.

Allele frequency attached by ClinVar (database versions not stated): gnomAD 0.00002; gnomAD exomes 0.00003 and 0.00001; TOPMed 0.00003.

Submissions (2):

Ambry Genetics
Classification: Uncertain significance. Last evaluated: 2025-10-02. Review status: criteria provided, single submitter. Criteria: Ambry Variant Classification Scheme 2023. Collection method: clinical testing. Allele origin: germline.

Labcorp Genetics (formerly Invitae), Labcorp
Classification: Uncertain significance. Last evaluated: 2022-02-19. Review status: criteria provided, single submitter. Criteria: Invitae Variant Classification Sherloc (09022015). Collection method: clinical testing. Allele origin: germline.
Comment: This sequence change replaces arginine, which is basic and polar, with histidine, which is basic and polar, at codon 306 of the IFNAR1 protein (p.Arg306His). This variant is present in population databases (rs774610936, gnomAD 0.007%). This variant has not been reported in the literature in individuals affected with IFNAR1-related conditions. Algorithms developed to predict the effect of missense changes on protein structure and function are either unavailable or do not agree on the potential impact of this missense change (SIFT: "Tolerated"; PolyPhen-2: "Probably Damaging"; Align-GVGD: "Class C0"). In summary, the available evidence is currently insufficient to determine the role of this variant in disease. Therefore, it has been classified as a Variant of Uncertain Significance.